The following is an entry in ClinVar:

NM_000257.4(MYH7):c.221A>G (p.Asp74Gly)

Gene: MYH7 (myosin heavy chain 7; minus strand). Cytogenetic location: 14q11.2.
Variant type: single nucleotide variant.
Coding change: c.221A>G on transcript NM_000257.4 (MANE Select); coding-DNA position 221, A replaced by G.
Protein change: p.Asp74Gly; replaces aspartic acid 74 with glycine.
Molecular consequence: missense variant.
Genome position (GRCh38, 1-based): chr14:23,433,208, T>C on the plus strand (A>G on the coding strand, the complement: MYH7 is on the minus strand). VCF-style: chr14-23433208-T-C. GRCh37 (hg19) VCF-style: chr14-23902417-T-C.
Other names: p.D74G:GAC>GGC; c.221A>G (LRG_384t1); short protein forms D74G.
Identifiers: ClinVar variation 181298 (VCV000181298.9), dbSNP rs730880831, ClinGen allele CA011994.

ClinVar aggregate classification (germline): Uncertain significance. Review status: criteria provided, multiple submitters, no conflicts (2 of 4 stars). 5 submissions from 5 submitters: Uncertain significance (5). Last evaluated 2024-09-12.

Conditions:
Hypertrophic cardiomyopathy 1 (CMH1). Also called: Familial hypertrophic cardiomyopathy 1; MYH7-Related Familial Hypertrophic Cardiomyopathy. Identifiers: MedGen C3495498, MONDO:0008647, OMIM 192600.
Dilated cardiomyopathy 1S (CMD1S). Identifiers: Orphanet 154, Orphanet 54260, MedGen C1834481, MONDO:0013262, OMIM 613426.
Cardiomyopathy (CMYO). Also called: Cardiomyopathies. Identifiers: Orphanet 167848, MedGen C0878544, MONDO:0004994, HP:0001638. Inheritance: Various modes of inheritance.
Hypertrophic cardiomyopathy. Also called: HYPERTROPHIC MYOCARDIOPATHY. Identifiers: Orphanet 217569, MedGen C0007194, MeSH D002312, MONDO:0005045, HP:0001639.

Allele frequency attached by ClinVar (database versions not stated): TOPMed below 0.00001; gnomAD 0.00001; gnomAD exomes 0.00001.
gnomAD v4.1: 4 of 1,614,014 alleles (0.00025%); highest among the groups gnomAD compares: Non-Finnish European, 0.00034%; no homozygotes.

Submissions (5):

Color Diagnostics, LLC DBA Color Health
Classification: Uncertain significance for Cardiomyopathy. Last evaluated: 2024-09-12. Review status: criteria provided, single submitter. Criteria: ACMG Guidelines, 2015. Collection method: clinical testing. Allele origin: germline.
Comment: This missense variant replaces aspartic acid with glycine at codon 74 of the MYH7 protein. Computational prediction tools indicate that this variant has a neutral impact on protein structure and function. To our knowledge, functional studies have not been reported for this variant. This variant has not been reported in individuals affected with MYH7-related disorders in the literature. This variant has not been identified in the general population by the Genome Aggregation Database (gnomAD). The available evidence is insufficient to determine the role of this variant in disease conclusively. Therefore, this variant is classified as a Variant of Uncertain Significance.

All of Us Research Program, National Institutes of Health
Classification: Uncertain significance for Cardiomyopathy. Last evaluated: 2023-10-02. Review status: criteria provided, single submitter. Criteria: ACMG Guidelines, 2015. Collection method: clinical testing. Allele origin: germline. Inheritance: Autosomal dominant inheritance. Observed: 1 variant allele, 1 heterozygote.
Comment: This missense variant replaces aspartic acid with glycine at codon 74 of the MYH7 protein. Computational prediction suggests that this variant may not impact protein structure and function (internally defined REVEL score threshold <= 0.5, PMID: 27666373). To our knowledge, functional studies have not been reported for this variant. This variant has not been reported in individuals affected with MYH7-related disorders in the literature. This variant has not been identified in the general population by the Genome Aggregation Database (gnomAD). The available evidence is insufficient to determine the role of this variant in disease conclusively. Therefore, this variant is classified as a Variant of Uncertain Significance.

This study involves interpretation of variants in research participants for the purpose of population health screening. Participant phenotype was not available at the time of variant classification. Additional details can be found in publication PMID: 35346344, PMCID: PMC8962531

New York Genome Center
Classification: Uncertain significance for Dilated cardiomyopathy 1S; Hypertrophic cardiomyopathy 1. Last evaluated: 2023-05-30. Review status: criteria provided, single submitter. Criteria: NYGC Assertion Criteria 2020. Collection method: clinical testing. Allele origin: germline. Observed: 1 heterozygote.
Comment: The c.221A>G p.(Asp74Gly) variant identified in the MYH7 gene has not been reported in affected individuals in the literature. It has been deposited to ClinVar database as a Varaint of Uncertain Significance [ClinVar ID:181298]. This variant is found in 1 out of ~590,000 alleles (0 homozygotes) in population databases (gnomAD v2.1.1, gnomAD v3.1.2, Top Med Freeze 8) suggesting that it is not a common benign variant in the populations represented in those databases. The c.221A>G variant in MYH7 is located in exon 4 of this 40-exon gene, and is predicted to replace an evolutionarily conserved aspartic acid residue with glycine at position 74 [p.(Asp74Gly)] in the head/motor domain of the encoded protein [PMID: 34935411, 30924982]. In silico predictions are inconclusive for the variant’s damaging effect [REVEL = 0.382]; however, functional studies to support or refute these predictions have not been reported. Given the lack of compelling evidence for its pathogenicity, the c.221A>G p.(Asp74Gly) variant identified in the MYH7 gene is reported as a Variant of Uncertain Significance.

Labcorp Genetics (formerly Invitae), Labcorp
Classification: Uncertain significance for Hypertrophic cardiomyopathy. Last evaluated: 2022-07-19. Review status: criteria provided, single submitter. Criteria: Invitae Variant Classification Sherloc (09022015). Collection method: clinical testing. Allele origin: germline.
Comment: This sequence change replaces aspartic acid, which is acidic and polar, with glycine, which is neutral and non-polar, at codon 74 of the MYH7 protein (p.Asp74Gly). This variant is not present in population databases (gnomAD no frequency). This variant has not been reported in the literature in individuals affected with MYH7-related conditions. ClinVar contains an entry for this variant (Variation ID: 181298). Algorithms developed to predict the effect of missense changes on protein structure and function (SIFT, PolyPhen-2, Align-GVGD) all suggest that this variant is likely to be tolerated. In summary, the available evidence is currently insufficient to determine the role of this variant in disease. Therefore, it has been classified as a Variant of Uncertain Significance.

GeneDx
Classification: Uncertain significance. Last evaluated: 2012-08-23. Review status: criteria provided, single submitter. Criteria: GeneDx Variant Classification (06012015). Collection method: clinical testing. Allele origin: germline. Affected: yes.
Comment: p.Asp74Gly (GAC>GGC):c.221 A>G in exon 4 of the MYH7 gene (NM_000257.2). The Asp74Gly variant in the MYH7 gene has not been reported as a disease-causing mutation or as a benign polymorphism to our knowledge. Asp74Gly results in a non-conservative amino acid substitution of a negatively charged Aspartic acid residue with a non-polar Glycine residue at a position that is conserved across species. However, in silico analysis predicts Asp74Gly is benign to the protein structure/function. Nevertheless, the NHLBI ESP Exome Variant Server reports Asp74Gly was not observed in approximately 6,000 samples from individuals of European and African American backgrounds, indicating it is not a common benign variant in these populations. With the clinical and molecular information available at this time, we cannot definitively determine if Asp74Gly is a disease-causing mutation or a rare benign variant. The variant is found in HCM panel(s).